The following is an entry in ClinVar:

ClinVar aggregate classification (germline): Uncertain significance (1 of 4 stars; one submission).

Conditions:
Cornelia de Lange syndrome 1 (CDLS1). Also called: TYPUS DEGENERATIVUS AMSTELODAMENSIS; Brachmann de Lange syndrome; NIPBL-Related Cornelia de Lange Syndrome. Identifiers: Orphanet 199, MedGen C4551851, MONDO:0007387, OMIM 122470.

Submission:

Labcorp Genetics (formerly Invitae), Labcorp
Classification: Uncertain significance for Cornelia de Lange syndrome 1. Last evaluated: 2025-03-26. Review status: criteria provided, single submitter. Criteria: Invitae Variant Classification Sherloc (09022015). Collection method: clinical testing. Allele origin: germline.
Comment: This sequence change replaces arginine, which is basic and polar, with lysine, which is basic and polar, at codon 692 of the NIPBL protein (p.Arg692Lys). This variant is not present in population databases (gnomAD no frequency). This variant has not been reported in the literature in individuals affected with NIPBL-related conditions. Invitae Evidence Modeling of protein sequence and biophysical properties (such as structural, functional, and spatial information, amino acid conservation, physicochemical variation, residue mobility, and thermodynamic stability) indicates that this missense variant is not expected to disrupt NIPBL protein function with a negative predictive value of 95%. In summary, the available evidence is currently insufficient to determine the role of this variant in disease. Therefore, it has been classified as a Variant of Uncertain Significance.

NM_133433.4(NIPBL):c.2075G>A (p.Arg692Lys)

Gene: NIPBL (NIPBL cohesin loading factor; plus strand). Cytogenetic location: 5p13.2.
Variant type: single nucleotide variant.
Coding change: c.2075G>A on transcript NM_133433.4 (MANE Select); coding-DNA position 2075, G replaced by A.
Protein change: p.Arg692Lys; replaces arginine 692 with lysine.
Molecular consequence: missense variant.
Genome position (GRCh38, 1-based): chr5:36,985,255, G>A. VCF-style: chr5-36985255-G-A. GRCh37 (hg19) VCF-style: chr5-36985357-G-A.
Other names: c.2075G>A, p.Arg692Lys (NM_001438586.1, NM_015384.5); short protein forms R692K.
Identifiers: ClinVar variation 4802722 (VCV004802722.1).
Genomic context (GRCh38, chr5:36,985,255, plus strand): 5'-AACAAAATGAAAATAGACTGTCTGACACAAAACCAAATGACAACAAACAAAATAATGGCA[G>A]ATCAGAAACAACAAAATCAAGGCCTGAAACCCCAAAGCAAAAGGGTGAAAGCCGGCCTGA-3'
Protein context (NP_597677.2, residues 682-702): KPNDNKQNNG[Arg692Lys]SETTKSRPET